The following is an entry in ClinVar:

NM_021116.4(ADCY1):c.20GCGGAGGCGGCG[3] (p.Gly14_Ala15insGlyGlyGlyGly)

Gene: ADCY1 (adenylate cyclase 1; plus strand). Cytogenetic location: 7p12.3.
Variant type: Microsatellite.
Coding change: c.20GCGGAGGCGGCG[3] on transcript NM_021116.4 (MANE Select); three copies in a row of the 12-base unit GCGGAGGCGGCG starting at c.20; the reference has two copies in a row; one copy, 12 bases duplicated; also written c.32_43dup.
Protein change: p.Gly14_Ala15insGlyGlyGlyGly.
Molecular consequence: inframe insertion. On other transcripts: intron variant (1).
Genome position (GRCh38, 1-based): chr7:45,574,575-45,574,586, GCGGAGGCGGCG duplicated; duplicating any 12 consecutive bases within chr7:45,574,560-45,574,586 gives the same sequence; the position shown is the placement nearest the transcript's 3' end. VCF-style (leftmost placement, unchanged base first): chr7-45574559-C-CGCGGCGGAGGCG. GRCh37 (hg19) VCF-style: chr7-45614158-C-CGCGGCGGAGGCG.
Other names: p.Gly11_Gly14dup; c.32_43dup (NM_021116.4); c.-330-329GCGGCGGAGGCG[3] (NM_001281768.2).
Identifiers: ClinVar variation 2968255 (VCV002968255.4), dbSNP rs968371618, ClinGen allele CA574696540.
Genomic context (GRCh38, chr7:45,574,559, plus strand): 5'-CGGCGAGGGGCGCGCCCGCGGCCGCGGCCGCTGCATGGCGCTGAGATGGCGGGGGCGCCG[C>CGCGGCGGAGGCG]GCGGCGGAGGCGGCGGCGGAGGCGGCGCGGGCGAGCCCGGGGGCGCCGAGCGGGCGGCCG-3'

ClinVar aggregate classification (germline): Uncertain significance. Review status: criteria provided, multiple submitters, no conflicts (2 of 4 stars). 2 submissions from 2 submitters: Uncertain significance (2). Last evaluated 2024-09-10.

Submissions (2):

Labcorp Genetics (formerly Invitae), Labcorp
Classification: Uncertain significance. Last evaluated: 2024-09-10. Review status: criteria provided, single submitter. Criteria: Invitae Variant Classification Sherloc (09022015). Collection method: clinical testing. Allele origin: germline.
Comment: This variant, c.32_43dup, results in the insertion of 4 amino acid(s) of the ADCY1 protein (p.Gly11_Gly14dup), but otherwise preserves the integrity of the reading frame. The frequency data for this variant in the population databases is considered unreliable, as metrics indicate poor data quality at this position in the gnomAD database. This variant has not been reported in the literature in individuals affected with ADCY1-related conditions. In summary, the available evidence is currently insufficient to determine the role of this variant in disease. Therefore, it has been classified as a Variant of Uncertain Significance.

Mayo Clinic Laboratories, Mayo Clinic
Classification: Uncertain significance. Last evaluated: 2024-04-05. Review status: criteria provided, single submitter. Criteria: ACMG Guidelines, 2015. Collection method: clinical testing. Allele origin: germline. Observed: 2 variant alleles.
Comment: BP3, PM2_moderate